The following is an entry in ClinVar:

ClinVar aggregate classification (germline): Pathogenic. Review status: criteria provided, single submitter (1 of 4 stars). 2 submissions from 2 submitters: Pathogenic (1). 1 of the submissions does not count toward it. Last evaluated 2024-03-06.

Conditions:
Retinal dystrophy. Also called: Inherited retinal dystrophy. Identifiers: Orphanet 71862, MedGen C0854723, MeSH D058499, MONDO:0019118, HP:0000556.

Allele frequency attached by ClinVar (database versions not stated): gnomAD exomes below 0.00001; ExAC 0.00001.
gnomAD v4.1: 1 of 1,614,138 alleles (0.000062%); highest among the groups gnomAD compares: Non-Finnish European, 0.000085%; no homozygotes.

Submissions (2):

Labcorp Genetics (formerly Invitae), Labcorp
Classification: Pathogenic. Last evaluated: 2024-03-06. Review status: criteria provided, single submitter. Criteria: Invitae Variant Classification Sherloc (09022015). Collection method: clinical testing. Allele origin: germline.
Comment: This sequence change creates a premature translational stop signal (p.Trp1772*) in the ABCA4 gene. It is expected to result in an absent or disrupted protein product. Loss-of-function variants in ABCA4 are known to be pathogenic (PMID: 10958761, 24938718, 25312043, 26780318). This variant is present in population databases (rs776757706, gnomAD 0.0009%). This premature translational stop signal has been observed in individual(s) with inherited retinal dystrophy (PMID: 28041643). ClinVar contains an entry for this variant (Variation ID: 438101). Algorithms developed to predict the effect of sequence changes on RNA splicing suggest that this variant may disrupt the consensus splice site. For these reasons, this variant has been classified as Pathogenic.

NIHR Bioresource Rare Diseases, University of Cambridge
Classification: Likely pathogenic for Retinal dystrophy. Last evaluated: 2015-01-01. Review status: no assertion criteria provided. Collection method: research. Allele origin: unknown. Affected: yes. Observed: 1 variant allele. Not counted in ClinVar's aggregate classification.

Literature cited by the submitters: PubMed 10958761 (cited by Labcorp Genetics (formerly Invitae), Labcorp); PubMed 24938718 (cited by Labcorp Genetics (formerly Invitae), Labcorp); PubMed 25312043 (cited by Labcorp Genetics (formerly Invitae), Labcorp); PubMed 26780318 (cited by Labcorp Genetics (formerly Invitae), Labcorp); PubMed 28041643 (cited by Labcorp Genetics (formerly Invitae), Labcorp and NIHR Bioresource Rare Diseases, University of Cambridge).

NM_000350.3(ABCA4):c.5315G>A (p.Trp1772Ter)

Gene: ABCA4 (ATP binding cassette subfamily A member 4; minus strand). Cytogenetic location: 1p22.1.
Variant type: single nucleotide variant.
Coding change: c.5315G>A on transcript NM_000350.3 (MANE Select); coding-DNA position 5315, G replaced by A.
Protein change: p.Trp1772Ter; replaces tryptophan 1772 with a stop codon.
Molecular consequence: nonsense.
Genome position (GRCh38, 1-based): chr1:94,014,688, C>T on the plus strand (G>A on the coding strand, the complement: ABCA4 is on the minus strand). VCF-style: chr1-94014688-C-T. GRCh37 (hg19) VCF-style: chr1-94480244-C-T.
Other names: c.5093G>A, p.Trp1698Ter (NM_001425324.1); short protein forms W1772*, W1698*.
Identifiers: ClinVar variation 438101 (VCV000438101.4), dbSNP rs776757706, ClinGen allele CA957303.